The following is an entry in ClinVar:

NM_020911.2(PLXNA4):c.934G>T (p.Ala312Ser)

Gene: PLXNA4 (plexin A4; minus strand). Cytogenetic location: 7q32.3.
Variant type: single nucleotide variant.
Coding change: c.934G>T on transcript NM_020911.2 (MANE Select); coding-DNA position 934, G replaced by T.
Protein change: p.Ala312Ser; replaces alanine 312 with serine.
Molecular consequence: missense variant.
Genome position (GRCh38, 1-based): chr7:132,507,760, C>A on the plus strand (G>T on the coding strand, the complement: PLXNA4 is on the minus strand). VCF-style: chr7-132507760-C-A. GRCh37 (hg19) VCF-style: chr7-132192519-C-A.
Other names: c.934G>T, p.Ala312Ser (NM_001105543.2, NM_001393897.1, NM_181775.4); short protein forms A312S.
Identifiers: ClinVar variation 3349677 (VCV003349677.1).

ClinVar aggregate classification (germline): Uncertain significance (0 of 4 stars; one submission).

Conditions:
PLXNA4-related disorder. Also called: PLXNA4-related condition.

Submission:

PreventionGenetics, part of Exact Sciences
Classification: Uncertain significance for PLXNA4-related condition. Last evaluated: 2024-03-23. Review status: no assertion criteria provided. Collection method: clinical testing. Allele origin: germline.
Comment: The PLXNA4 c.934G>T variant is predicted to result in the amino acid substitution p.Ala312Ser. To our knowledge, this variant has not been reported in the literature or in a large population database, indicating this variant is rare. At this time, the clinical significance of this variant is uncertain due to the absence of conclusive functional and genetic evidence.